The following is an entry in ClinVar:

ClinVar aggregate classification (germline): Benign (1 of 4 stars; one submission).

gnomAD v4.1: 1,589 of 1,542,208 alleles (0.1%); highest among the groups gnomAD compares: South Asian, 1.5%; 20 homozygotes.

Submission:

CeGaT Center for Human Genetics Tuebingen
Classification: Benign. Last evaluated: 2025-11-01. Review status: criteria provided, single submitter. Criteria: CeGaT Center For Human Genetics Tuebingen Variant Classification Criteria Version 2. Collection method: clinical testing. Allele origin: germline. Affected: yes. Observed: 1 variant allele.
Comment: SMARCA5: BP4, BS1, BS2; SMARCA5-AS1: BS1, BS2

NM_003601.4(SMARCA5):c.-4C>T

Genes: SMARCA5 (SNF2 related chromatin remodeling ATPase 5; plus strand), SMARCA5-AS1 (SMARCA5 antisense RNA 1; minus strand). Cytogenetic location: 4q31.21.
Variant type: single nucleotide variant.
Coding change: c.-4C>T on transcript NM_003601.4 (MANE Select); 4 bases upstream of the start codon, C replaced by T.
Molecular consequence: 5 prime UTR variant. On other transcripts: non-coding transcript variant (1).
Genome position (GRCh38, 1-based): chr4:143,513,921, C>T. VCF-style: chr4-143513921-C-T. GRCh37 (hg19) VCF-style: chr4-144435074-C-T.
Identifiers: ClinVar variation 4533543 (VCV004533543.6).
Genomic context (GRCh38, chr4:143,513,921, plus strand): 5'-CCTCCCCGTCCATCCCCGCCGGACTCGGGCCTCTGGCAGCAGCGGGTGACGCAGACGGAA[C>T]ATCATGTCGTCCGCGGCCGAGCCTCCGCCACCCCCGCCTCCCGAGAGCGCGCCTTCCAAG-3'